The following is an entry in ClinVar:

ClinVar aggregate classification (germline): Uncertain significance (1 of 4 stars; one submission).

Conditions:
Bethlem myopathy 1A. Also called: MYOPATHY, BENIGN CONGENITAL, WITH CONTRACTURES; Bethlem myopathy 1; Bethlem Muscular Dystrophy. Identifiers: Orphanet 610, MedGen CN029274, MONDO:0024530, OMIM 158810.

Submission:

Labcorp Genetics (formerly Invitae), Labcorp
Classification: Uncertain significance for Bethlem myopathy 1A. Last evaluated: 2023-08-04. Review status: criteria provided, single submitter. Criteria: Invitae Variant Classification Sherloc (09022015). Collection method: clinical testing. Allele origin: germline.
Comment: In summary, the available evidence is currently insufficient to determine the role of this variant in disease. Therefore, it has been classified as a Variant of Uncertain Significance. Advanced modeling of protein sequence and biophysical properties (such as structural, functional, and spatial information, amino acid conservation, physicochemical variation, residue mobility, and thermodynamic stability) performed at Invitae indicates that this missense variant is not expected to disrupt COL6A1 protein function. ClinVar contains an entry for this variant (Variation ID: 1939892). This variant has not been reported in the literature in individuals affected with COL6A1-related conditions. This variant is not present in population databases (gnomAD no frequency). This sequence change replaces alanine, which is neutral and non-polar, with valine, which is neutral and non-polar, at codon 28 of the COL6A1 protein (p.Ala28Val).

NM_001848.3(COL6A1):c.83C>T (p.Ala28Val)

Gene: COL6A1 (collagen type VI alpha 1 chain; plus strand). Cytogenetic location: 21q22.3.
Variant type: single nucleotide variant.
Coding change: c.83C>T on transcript NM_001848.3 (MANE Select); coding-DNA position 83, C replaced by T.
Protein change: p.Ala28Val; replaces alanine 28 with valine.
Molecular consequence: missense variant.
Genome position (GRCh38, 1-based): chr21:45,981,933, C>T. VCF-style: chr21-45981933-C-T. GRCh37 (hg19) VCF-style: chr21-47401847-C-T.
Other names: short protein forms A28V.
Identifiers: ClinVar variation 1939892 (VCV001939892.5), dbSNP rs2526305516, ClinGen allele CA410514094.